The following is an entry in ClinVar:

NM_002906.4(RDX):c.466C>T (p.Arg156Cys)

Gene: RDX (radixin; minus strand). Cytogenetic location: 11q22.3.
Variant type: single nucleotide variant.
Coding change: c.466C>T on transcript NM_002906.4 (MANE Select); coding-DNA position 466, C replaced by T.
Protein change: p.Arg156Cys; replaces arginine 156 with cysteine.
Molecular consequence: missense variant. On other transcripts: intron variant (2).
Genome position (GRCh38, 1-based): chr11:110,263,961, G>A on the plus strand (C>T on the coding strand, the complement: RDX is on the minus strand). VCF-style: chr11-110263961-G-A. GRCh37 (hg19) VCF-style: chr11-110134686-G-A.
Other names: c.466C>T, p.Arg156Cys (NM_001260492.2, NM_001260493.2); c.370C>T, p.Arg124Cys (NM_001260496.2); c.-83+15720C>T (NM_001260495.2); c.60-5772C>T (NM_001260494.2); c.466C>T (NM_002906.3); short protein forms R124C, R156C.
Identifiers: ClinVar variation 2181983 (VCV002181983.7), dbSNP rs1213643220, ClinGen allele CA382868368.

ClinVar aggregate classification (germline): Uncertain significance. Review status: criteria provided, multiple submitters, no conflicts (2 of 4 stars). 4 submissions from 4 submitters: Uncertain significance (4). Last evaluated 2025-08-12.

Conditions:
Inborn genetic diseases. Identifiers: MedGen C0950123, MeSH D030342.

Allele frequency attached by ClinVar (database versions not stated): gnomAD exomes below 0.00001; TOPMed 0.00002.

Submissions (4):

Ambry Genetics
Classification: Uncertain significance for Inborn genetic diseases. Last evaluated: 2025-08-12. Review status: criteria provided, single submitter. Criteria: Ambry Variant Classification Scheme 2023. Collection method: clinical testing. Allele origin: germline.

GeneDx
Classification: Uncertain significance. Last evaluated: 2025-05-20. Review status: criteria provided, single submitter. Criteria: GeneDx Variant Classification Process June 2021. Collection method: clinical testing. Allele origin: germline. Affected: yes.
Comment: Not observed at significant frequency in large population cohorts (gnomAD); In silico analysis supports that this missense variant has a deleterious effect on protein structure/function; Has not been previously published as pathogenic or benign to our knowledge

Labcorp Genetics (formerly Invitae), Labcorp
Classification: Uncertain significance. Last evaluated: 2022-04-16. Review status: criteria provided, single submitter. Criteria: Invitae Variant Classification Sherloc (09022015). Collection method: clinical testing. Allele origin: germline.
Comment: Algorithms developed to predict the effect of missense changes on protein structure and function are either unavailable or do not agree on the potential impact of this missense change (SIFT: "Deleterious"; PolyPhen-2: "Probably Damaging"; Align-GVGD: "Class C0"). In summary, the available evidence is currently insufficient to determine the role of this variant in disease. Therefore, it has been classified as a Variant of Uncertain Significance. This sequence change replaces arginine, which is basic and polar, with cysteine, which is neutral and slightly polar, at codon 156 of the RDX protein (p.Arg156Cys). This variant is present in population databases (no rsID available, gnomAD 0.006%). This variant has not been reported in the literature in individuals affected with RDX-related conditions.

Blueprint Genetics
Classification: Uncertain significance. Last evaluated: 2018-03-26. Review status: criteria provided, single submitter. Criteria: ACMG Guidelines, 2015. Collection method: clinical testing. Allele origin: germline.